The following is an entry in ClinVar:

NM_000138.5(FBN1):c.3511T>C (p.Cys1171Arg)

Gene: FBN1 (fibrillin 1; minus strand). Cytogenetic location: 15q21.1.
Variant type: single nucleotide variant.
Coding change: c.3511T>C on transcript NM_000138.5 (MANE Select); coding-DNA position 3511, T replaced by C.
Protein change: p.Cys1171Arg; replaces cysteine 1171 with arginine.
Molecular consequence: missense variant.
Genome position (GRCh38, 1-based): chr15:48,487,153, A>G on the plus strand (T>C on the coding strand, the complement: FBN1 is on the minus strand). VCF-style: chr15-48487153-A-G. GRCh37 (hg19) VCF-style: chr15-48779350-A-G.
Other names: short protein forms C1171R.
Identifiers: ClinVar variation 1069718 (VCV001069718.9), dbSNP rs2141293252, ClinGen allele CA392325194.

ClinVar aggregate classification (germline): Pathogenic (1 of 4 stars; one submission).

Conditions:
Familial thoracic aortic aneurysm and aortic dissection (TAAD). Also called: Thoracic aortic aneurysms and dissections. Identifiers: Orphanet 91387, MedGen C4707243, MONDO:0019625.
Marfan syndrome (MFS). Also called: Marfan syndrome type 1; Marfan's syndrome; Marfan syndrome, classic; MARFAN SYNDROME, TYPE I; FBN1-Related Marfan Syndrome. Identifiers: Orphanet 284963, Orphanet 558, MedGen C0024796, MONDO:0007947, OMIM 154700.

Submission:

Labcorp Genetics (formerly Invitae), Labcorp
Classification: Pathogenic for Marfan syndrome; Familial thoracic aortic aneurysm and aortic dissection. Last evaluated: 2020-08-19. Review status: criteria provided, single submitter. Criteria: Invitae Variant Classification Sherloc (09022015). Collection method: clinical testing. Allele origin: germline.
Comment: This sequence change replaces cysteine with arginine at codon 1171 of the FBN1 protein (p.Cys1171Arg). The cysteine residue is highly conserved and there is a large physicochemical difference between cysteine and arginine. This variant is not present in population databases (ExAC no frequency). This variant has been observed in individual(s) with clinical features of Marfan syndrome (PMID: 10486319, Invitae). Advanced modeling of protein sequence and biophysical properties (such as structural, functional, and spatial information, amino acid conservation, physicochemical variation, residue mobility, and thermodynamic stability) performed at Invitae indicates that this missense variant is expected to disrupt FBN1 protein function. This variant affects a cysteine residue in the EGF-like, TGFBP or hybrid motif domains of FBN1. Cysteine residues are believed to be involved in intramolecular disulfide bridges and have been shown to be important for FBN1 protein structure (PMID: 16905551, 19349279). In addition, missense substitutions affecting cysteine residues within these domains are significantly overrepresented among patients with Marfan syndrome (PMID: 16571647, 17701892). For these reasons, this variant has been classified as Pathogenic.

Literature cited by the submitters: PubMed 10486319; PubMed 16905551; PubMed 19349279; PubMed 16571647; PubMed 17701892.